The following is an entry in ClinVar:

ClinVar aggregate classification (germline): Uncertain significance. Review status: criteria provided, multiple submitters, no conflicts (2 of 4 stars). 2 submissions from 2 submitters: Uncertain significance (2). Last evaluated 2025-12-01.

Conditions:
Galactosylceramide beta-galactosidase deficiency. Also called: Krabbe Disease; Leukodystrophy, Globoid Cell; GALACTOCEREBROSIDASE DEFICIENCY; GALC DEFICIENCY; GLOBOID CELL LEUKOENCEPHALOPATHY. Identifiers: Orphanet 487, MedGen C0023521, MONDO:0009499, OMIM 245200.

Allele frequency attached by ClinVar (database versions not stated): gnomAD exomes below 0.00001; gnomAD 0.00001.
gnomAD v4.1: 4 of 1,613,946 alleles (0.00025%); highest among the groups gnomAD compares: Admixed American, 0.0017%; no homozygotes.

Submissions (2):

Labcorp Genetics (formerly Invitae), Labcorp
Classification: Uncertain significance for Galactosylceramide beta-galactosidase deficiency. Last evaluated: 2025-12-01. Review status: criteria provided, single submitter. Criteria: Invitae Variant Classification Sherloc (09022015). Collection method: clinical testing. Allele origin: germline.
Comment: This sequence change replaces methionine, which is neutral and non-polar, with valine, which is neutral and non-polar, at codon 237 of the GALC protein (p.Met237Val). This variant is not present in population databases (gnomAD no frequency). This variant has not been reported in the literature in individuals affected with GALC-related conditions. ClinVar contains an entry for this variant (Variation ID: 1703363). Invitae Evidence Modeling of protein sequence and biophysical properties (such as structural, functional, and spatial information, amino acid conservation, physicochemical variation, residue mobility, and thermodynamic stability) indicates that this missense variant is not expected to disrupt GALC protein function with a negative predictive value of 95%. In summary, the available evidence is currently insufficient to determine the role of this variant in disease. Therefore, it has been classified as a Variant of Uncertain Significance.

GeneDx
Classification: Uncertain significance. Last evaluated: 2022-02-25. Review status: criteria provided, single submitter. Criteria: GeneDx Variant Classification Process June 2021. Collection method: clinical testing. Allele origin: germline. Affected: yes.
Comment: Not observed at significant frequency in large population cohorts (gnomAD); In silico analysis supports that this missense variant does not alter protein structure/function; Has not been previously published as pathogenic or benign to our knowledge

NM_000153.4(GALC):c.709A>G (p.Met237Val)

Gene: GALC (galactosylceramidase; minus strand). Cytogenetic location: 14q31.3.
Variant type: single nucleotide variant.
Coding change: c.709A>G on transcript NM_000153.4 (MANE Select); coding-DNA position 709, A replaced by G.
Protein change: p.Met237Val; replaces methionine 237 with valine.
Molecular consequence: missense variant.
Genome position (GRCh38, 1-based): chr14:87,976,401, T>C on the plus strand (A>G on the coding strand, the complement: GALC is on the minus strand). VCF-style: chr14-87976401-T-C. GRCh37 (hg19) VCF-style: chr14-88442745-T-C.
Other names: c.640A>G, p.Met214Val (NM_001201401.2); c.631A>G, p.Met211Val (NM_001201402.2); short protein forms M211V, M214V, M237V.
Identifiers: ClinVar variation 1703363 (VCV001703363.12), dbSNP rs1886493499, ClinGen allele CA390749434.
Genomic context (GRCh38, chr14:87,976,401, plus strand): 5'-AGTAAAACATGCCTTACCCTATAACATCAACCACCTTGAAGAGTTCGGCATCAAGGAGCA[T>C]GGATGCAGAGATGGACTCCCAGAGATTATCACTTGCTATGATTTTCACTCGCTGGAGACC-3'
Protein context (NP_000144.2, residues 227-247): DNLWESISAS[Met237Val]LLDAELFKVV